The following is an entry in ClinVar:

ClinVar aggregate classification (germline): Uncertain significance. Review status: criteria provided, multiple submitters, no conflicts (2 of 4 stars). 3 submissions from 3 submitters: Uncertain significance (3). Last evaluated 2024-07-10.

Conditions:
Malignant hyperthermia, susceptibility to, 1 (MHS1). Also called: Anesthesia related hyperthermia; Malignant hyperpyrexia; Fulminating hyperpyrexia; Pharmacogenic myopathy; Malignant hyperthermia suceptibility 1; RYR1-Related Malignant Hyperthermia Susceptibility. Identifiers: Orphanet 423, MedGen C2930980, MONDO:0007783, OMIM 145600.
RYR1-related disorder. Also called: RYR1-related disorders; RYR1-related condition. Identifiers: MedGen CN239331.

Allele frequency attached by ClinVar (database versions not stated): gnomAD exomes below 0.00001; TOPMed below 0.00001.
gnomAD v4.1: 3 of 1,614,228 alleles (0.00019%); highest among the groups gnomAD compares: African/African-American, 0.0027%; no homozygotes.

Submissions (3):

All of Us Research Program, National Institutes of Health
Classification: Uncertain significance for Malignant hyperthermia, susceptibility to, 1. Last evaluated: 2024-07-10. Review status: criteria provided, single submitter. Criteria: ACMG Guidelines, 2015. Collection method: clinical testing. Allele origin: germline. Inheritance: Autosomal dominant inheritance. Observed: 1 variant allele, 1 heterozygote.
Comment: This missense variant replaces arginine with glutamine at codon 4041 of the RYR1 protein. Computational prediction suggests that this variant may not impact protein structure and function (internally defined REVEL score threshold <= 0.5, PMID: 27666373). To our knowledge, functional studies have not been reported for this variant. This variant has not been reported in individuals affected with RYR1-related disorders in the literature. This variant has been identified in 1/251474 chromosomes in the general population by the Genome Aggregation Database (gnomAD). The available evidence is insufficient to determine the role of this variant in disease conclusively. Therefore, this variant is classified as a Variant of Uncertain Significance.

This study involves interpretation of variants in research participants for the purpose of population health screening. Participant phenotype was not available at the time of variant classification. Additional details can be found in publication PMID: 35346344, PMCID: PMC8962531

Labcorp Genetics (formerly Invitae), Labcorp
Classification: Uncertain significance for RYR1-related disorder. Last evaluated: 2023-06-27. Review status: criteria provided, single submitter. Criteria: Invitae Variant Classification Sherloc (09022015). Collection method: clinical testing. Allele origin: germline.
Comment: In summary, the available evidence is currently insufficient to determine the role of this variant in disease. Therefore, it has been classified as a Variant of Uncertain Significance. Advanced modeling of protein sequence and biophysical properties (such as structural, functional, and spatial information, amino acid conservation, physicochemical variation, residue mobility, and thermodynamic stability) performed at Invitae indicates that this missense variant is not expected to disrupt RYR1 protein function. ClinVar contains an entry for this variant (Variation ID: 2435620). This variant has not been reported in the literature in individuals affected with RYR1-related conditions. This variant is present in population databases (no rsID available, gnomAD 0.007%). This sequence change replaces arginine, which is basic and polar, with glutamine, which is neutral and polar, at codon 4041 of the RYR1 protein (p.Arg4041Gln).

Revvity Omics, Revvity
Classification: Uncertain significance. Last evaluated: 2021-10-11. Review status: criteria provided, single submitter. Criteria: ACMG Guidelines, 2015. Collection method: clinical testing. Allele origin: germline.

NM_000540.3(RYR1):c.12122G>A (p.Arg4041Gln)

Gene: RYR1 (ryanodine receptor 1; plus strand). Cytogenetic location: 19q13.2.
Variant type: single nucleotide variant.
Coding change: c.12122G>A on transcript NM_000540.3 (MANE Select); coding-DNA position 12122, G replaced by A.
Protein change: p.Arg4041Gln; replaces arginine 4041 with glutamine.
Molecular consequence: missense variant.
Genome position (GRCh38, 1-based): chr19:38,548,260, G>A. VCF-style: chr19-38548260-G-A. GRCh37 (hg19) VCF-style: chr19-39038900-G-A.
Other names: c.12107G>A, p.Arg4036Gln (NM_001042723.2); short protein forms R4036Q, R4041Q.
Identifiers: ClinVar variation 2435620 (VCV002435620.7), dbSNP rs1466980845, ClinGen allele CA405665159.